The following is an entry in ClinVar:

ClinVar aggregate classification (germline): Conflicting classifications of pathogenicity. Review status: criteria provided, conflicting classifications (1 of 4 stars). 3 submissions from 3 submitters: Uncertain significance (1); Likely benign (1). 1 of the submissions does not count toward it. Last evaluated 2025-05-28.

Conditions:
Epidermolysis bullosa dystrophica. Also called: Dystrophic epidermolysis bullosa, Hallopeau-Siemens type (formerly); Dystrophic epidermolysis bullosa. Identifiers: Orphanet 303, MedGen C0079294, MONDO:0006543.

Allele frequency attached by ClinVar (database versions not stated): ExAC 0.00001; gnomAD 0.00001; gnomAD exomes 0.00001 and 0.00003; TOPMed 0.00001.
gnomAD v4.1: 6 of 1,611,652 alleles (0.00037%); highest among the groups gnomAD compares: Admixed American, 0.01%; no homozygotes.

Submissions (3):

Labcorp Genetics (formerly Invitae), Labcorp
Classification: Likely benign. Last evaluated: 2025-05-28. Review status: criteria provided, single submitter. Criteria: Invitae Variant Classification Sherloc (09022015). Collection method: clinical testing. Allele origin: germline.

Women's Health and Genetics/Laboratory Corporation of America, LabCorp
Classification: Uncertain significance. Last evaluated: 2019-12-03. Review status: criteria provided, single submitter. Criteria: LabCorp Variant Classification Summary - May 2015. Collection method: clinical testing. Allele origin: germline.
Comment: Variant summary: COL7A1 c.8167C>T (p.Pro2723Ser) results in a non-conservative amino acid change located in the Collagen triple helix repeat domain (IPR008160) of the encoded protein sequence. Three of five in-silico tools predict a benign effect of the variant on protein function. The variant allele was found at a frequency of 2.8e-05 in 249982 control chromosomes (gnomAD). The available data on variant occurrences in the general population are insufficient to allow any conclusion about variant significance. To our knowledge, no occurrence of c.8167C>T in individuals affected with Dystrophic epidermolysis bullosa and no experimental evidence demonstrating its impact on protein function have been reported. No clinical diagnostic laboratories have submitted clinical-significance assessments for this variant to ClinVar after 2014. Based on the evidence outlined above, the variant was classified as uncertain significance.

Natera, Inc.
Classification: Uncertain significance for Dystrophic epidermolysis bullosa. Last evaluated: 2020-06-25. Review status: no assertion criteria provided. Collection method: clinical testing. Allele origin: germline. Not counted in ClinVar's aggregate classification.

NM_000094.4(COL7A1):c.8167C>T (p.Pro2723Ser)

Gene: COL7A1 (collagen type VII alpha 1 chain; minus strand). Cytogenetic location: 3p21.31.
Variant type: single nucleotide variant.
Coding change: c.8167C>T on transcript NM_000094.4 (MANE Select); coding-DNA position 8167, C replaced by T.
Protein change: p.Pro2723Ser; replaces proline 2723 with serine.
Molecular consequence: missense variant.
Genome position (GRCh38, 1-based): chr3:48,566,966, G>A on the plus strand (C>T on the coding strand, the complement: COL7A1 is on the minus strand). VCF-style: chr3-48566966-G-A. GRCh37 (hg19) VCF-style: chr3-48604399-G-A.
Other names: short protein forms P2723S.
Identifiers: ClinVar variation 928652 (VCV000928652.8), dbSNP rs774540354, ClinGen allele CA2378135.